The following is an entry in ClinVar:

NM_003183.6(ADAM17):c.2191C>G (p.Pro731Ala)

Genes: IAH1 (isoamyl acetate hydrolyzing esterase 1 (putative); plus strand), ADAM17 (ADAM metallopeptidase domain 17; minus strand). Cytogenetic location: 2p25.1.
Variant type: single nucleotide variant.
Coding change: c.2191C>G on transcript NM_003183.6 (MANE Select); coding-DNA position 2191, C replaced by G.
Protein change: p.Pro731Ala; replaces proline 731 with alanine.
Molecular consequence: missense variant.
Genome position (GRCh38, 1-based): chr2:9,490,461, G>C on the plus strand (C>G on the coding strand, the complement: ADAM17 is on the minus strand). VCF-style: chr2-9490461-G-C. GRCh37 (hg19) VCF-style: chr2-9630590-G-C.
Other names: c.1531C>G, p.Pro511Ala (NM_001382777.1); c.1294C>G, p.Pro432Ala (NM_001382778.1); short protein forms P511A, P432A, P731A.
Identifiers: ClinVar variation 939993 (VCV000939993.8), dbSNP rs889062988, ClinGen allele CA345794746.

ClinVar aggregate classification (germline): Uncertain significance (1 of 4 stars; one submission).

Conditions:
Inflammatory skin and bowel disease, neonatal, 1. Identifiers: Orphanet 294023, MedGen C3280501, MONDO:0013693, OMIM 614328.

Allele frequency attached by ClinVar (database versions not stated): TOPMed 0.00002.
gnomAD v4.1: 11 of 1,613,952 alleles (0.00068%); highest among the groups gnomAD compares: African/African-American, 0.0013%; no homozygotes.

Submission:

Labcorp Genetics (formerly Invitae), Labcorp
Classification: Uncertain significance for Inflammatory skin and bowel disease, neonatal, 1. Last evaluated: 2019-08-21. Review status: criteria provided, single submitter. Criteria: Invitae Variant Classification Sherloc (09022015). Collection method: clinical testing. Allele origin: germline.
Comment: This variant has not been reported in the literature in individuals with ADAM17-related conditions. This sequence change replaces proline with alanine at codon 731 of the ADAM17 protein (p.Pro731Ala). The proline residue is moderately conserved and there is a small physicochemical difference between proline and alanine. This variant is not present in population databases (ExAC no frequency). Algorithms developed to predict the effect of missense changes on protein structure and function (SIFT, PolyPhen-2, Align-GVGD) all suggest that this variant is likely to be tolerated, but these predictions have not been confirmed by published functional studies and their clinical significance is uncertain. In summary, the available evidence is currently insufficient to determine the role of this variant in disease. Therefore, it has been classified as a Variant of Uncertain Significance.